The following is an entry in ClinVar:

ClinVar aggregate classification (germline): Benign. Review status: criteria provided, multiple submitters, no conflicts (2 of 4 stars). 4 submissions from 4 submitters: Benign (3). 1 of the submissions does not count toward it. Last evaluated 2021-05-04.

Conditions:
DNAH6-related disorder. Also called: DNAH6-related condition.

Allele frequency attached by ClinVar (database versions not stated): gnomAD exomes 0.03282 and 0.04563; ExAC 0.06848; gnomAD 0.10374 and 0.10862; ESP Exome Variant Server 0.10583; 1000 Genomes Project 0.10863; 1000 Genomes Project 30x 0.11337; TOPMed 0.11447.
gnomAD v4.1: 62,595 of 1,550,324 alleles (4%); highest among the groups gnomAD compares: African/African-American, 29%; 3,985 homozygotes.

Submissions (4):

GeneDx
Classification: Benign. Last evaluated: 2021-05-04. Review status: criteria provided, single submitter. Criteria: GeneDx Variant Classification Process June 2021. Collection method: clinical testing. Allele origin: germline. Affected: yes.

Laboratory for Molecular Medicine, Mass General Brigham Personalized Medicine
Classification: Benign. Last evaluated: 2016-03-28. Review status: criteria provided, single submitter. Criteria: LMM Criteria. Collection method: clinical testing. Allele origin: germline.
Comment: Variant identified in a genome or exome case(s) and assessed due to predicted null impact of the variant or pathogenic assertions in the literature or databases. Disclaimer: This variant has not undergone full assessment. The following are preliminary notes: Frequency

Breakthrough Genomics
Classification: Benign. Review status: criteria provided, single submitter. Criteria: ACMG Guidelines, 2015. Collection method: not provided. Allele origin: germline. Inheritance: Unknown mechanism. Affected: yes.

PreventionGenetics, part of Exact Sciences
Classification: Benign for DNAH6-related condition. Last evaluated: 2019-11-25. Review status: no assertion criteria provided. Collection method: clinical testing. Allele origin: germline. Not counted in ClinVar's aggregate classification.
Comment: This variant is classified as benign based on ACMG/AMP sequence variant interpretation guidelines (Richards et al. 2015 PMID: 25741868, with internal and published modifications).

NM_001370.2(DNAH6):c.2547A>G (p.Gln849=)

Gene: DNAH6 (dynein axonemal heavy chain 6; plus strand). Cytogenetic location: 2p11.2.
Variant type: single nucleotide variant.
Coding change: c.2547A>G on transcript NM_001370.2 (MANE Select); coding-DNA position 2547, A replaced by G.
Protein change: p.Gln849=; no amino-acid change (glutamine 849 retained).
Molecular consequence: synonymous variant.
Genome position (GRCh38, 1-based): chr2:84,588,891, A>G. VCF-style: chr2-84588891-A-G. GRCh37 (hg19) VCF-style: chr2-84816015-A-G.
Identifiers: ClinVar variation 402735 (VCV000402735.8), dbSNP rs1006244, ClinGen allele CA1736972.
Genomic context (GRCh38, chr2:84,588,891, plus strand): 5'-ACAGATTTTAGATATCTCTGCTGACCAAGACAAAATAAGGCTCATATTGAATAATCTGCA[A>G]TCTGTTCTGGCTGATCTTCAGAAACGTGCATTTCAGTATAAGTCCTATCAGAAGAATTTT-3'
Protein context (NP_001361.1, residues 839-859): DKIRLILNNL[Gln849=]SVLADLQKRA